The following is an entry in ClinVar:

ClinVar aggregate classification (germline): Likely benign (0 of 4 stars; one submission).

Conditions:
PLXNA3-related disorder. Also called: PLXNA3-related condition.

Submission:

PreventionGenetics, part of Exact Sciences
Classification: Likely benign for PLXNA3-related condition. Last evaluated: 2023-04-19. Review status: no assertion criteria provided. Collection method: clinical testing. Allele origin: germline.
Comment: This variant is classified as likely benign based on ACMG/AMP sequence variant interpretation guidelines (Richards et al. 2015 PMID: 25741868, with internal and published modifications).

NM_017514.5(PLXNA3):c.5157-8G>A

Gene: PLXNA3 (plexin A3; plus strand). Cytogenetic location: Xq28.
Variant type: single nucleotide variant.
Coding change: c.5157-8G>A on transcript NM_017514.5 (MANE Select); 8 bases into the intron before coding-DNA position 5157, G replaced by A.
Molecular consequence: intron variant.
Genome position (GRCh38, 1-based): chrX:154,471,097, G>A. VCF-style: chrX-154471097-G-A. GRCh37 (hg19) VCF-style: chrX-153699440-G-A.
Identifiers: ClinVar variation 3356315 (VCV003356315.1).
Genomic context (GRCh38, chrX:154,471,097, plus strand): 5'-TGCACATGGGAGGGGCCCCTTGGGGCTAACTAGGGAGCCTCAGGCGCACGTCCCTCTGTT[G>A]TCCACAGCCTGCCGCTGCGCTTCTGGGTGAATGTGATCAAGAACCCGCAGTTCGTGTTCG-3'